The following is an entry in ClinVar:

NM_002016.2(FLG):c.10386C>T (p.Ser3462=)

Genes: CCDST (cervical cancer associated DHX9 suppressive transcript; plus strand), FLG (filaggrin; minus strand). Cytogenetic location: 1q21.3.
Variant type: single nucleotide variant.
Coding change: c.10386C>T on transcript NM_002016.2 (MANE Select); coding-DNA position 10386, C replaced by T.
Protein change: p.Ser3462=; no amino-acid change (serine 3462 retained).
Molecular consequence: synonymous variant.
Genome position (GRCh38, 1-based): chr1:152,304,500, G>A on the plus strand (C>T on the coding strand, the complement: FLG is on the minus strand). VCF-style: chr1-152304500-G-A. GRCh37 (hg19) VCF-style: chr1-152276976-G-A.
Identifiers: ClinVar variation 2639233 (VCV002639233.24), dbSNP rs140294281, ClinGen allele CA1103370.
Genomic context (GRCh38, chr1:152,304,500, plus strand): 5'-GGATCCTGACTGCCCACGGGAGGCATCAGACCTTCCCTGGGATGTGGTGTGGCTGTGATG[G>A]GACCCTGAGTGTCCAGACCTATCTACCGATTGCTCGTAGTGGGATCCCTGCCTTCCTCTT-3'
Protein context (NP_002007.1, residues 3452-3472): QSVDRSGHSG[Ser3462=]HHSHTTSQGR

ClinVar aggregate classification (germline): Likely benign (1 of 4 stars; one submission).

Allele frequency attached by ClinVar (database versions not stated): 1000 Genomes Project 0.00140; 1000 Genomes Project 30x 0.00156; gnomAD 0.00470; TOPMed 0.00506; ExAC 0.00507; ESP Exome Variant Server 0.00546; gnomAD exomes 0.00781.
gnomAD v4.1: 12,084 of 1,612,776 alleles (0.75%); highest among the groups gnomAD compares: Non-Finnish European, 0.94%; 204 homozygotes.

Submission:

CeGaT Center for Human Genetics Tuebingen
Classification: Likely benign. Last evaluated: 2024-09-01. Review status: criteria provided, single submitter. Criteria: CeGaT Center For Human Genetics Tuebingen Variant Classification Criteria Version 2. Collection method: clinical testing. Allele origin: germline. Affected: yes. Observed: 10 variant alleles.
Comment: FLG: BP4, BP7, BS2